The following is an entry in ClinVar:

ClinVar aggregate classification (germline): Uncertain significance (1 of 4 stars; one submission).

Submission:

GeneDx
Classification: Uncertain significance. Last evaluated: 2020-10-16. Review status: criteria provided, single submitter. Criteria: GeneDx Variant Classification Process June 2021. Collection method: clinical testing. Allele origin: germline. Affected: yes.
Comment: Not observed in large population cohorts (Lek et al., 2016); In silico analysis supports a deleterious effect on splicing; Has not been previously published as pathogenic or benign to our knowledge

NM_001197104.2(KMT2A):c.10755-3C>A

Gene: KMT2A (lysine methyltransferase 2A; plus strand). Cytogenetic location: 11q23.3.
Variant type: single nucleotide variant.
Coding change: c.10755-3C>A on transcript NM_001197104.2 (MANE Select); 3 bases into the intron before coding-DNA position 10755, C replaced by A.
Molecular consequence: intron variant.
Genome position (GRCh38, 1-based): chr11:118,507,526, C>A. VCF-style: chr11-118507526-C-A. GRCh37 (hg19) VCF-style: chr11-118378241-C-A.
Other names: c.10746-3C>A (NM_005933.4).
Identifiers: ClinVar variation 1313298 (VCV001313298.2), dbSNP rs2134419199, ClinGen allele CA2573053441.